The following is an entry in ClinVar:

NM_001046.3(SLC12A2):c.-18G>T

Genes: SLC12A2 (solute carrier family 12 member 2; plus strand), LOC129994526 (ATAC-STARR-seq lymphoblastoid silent region 16295; plus strand). Cytogenetic location: 5q23.3.
Variant type: single nucleotide variant.
Coding change: c.-18G>T on transcript NM_001046.3 (MANE Select); 18 bases upstream of the start codon, G replaced by T.
Molecular consequence: 5 prime UTR variant. On other transcripts: non-coding transcript variant (1).
Genome position (GRCh38, 1-based): chr5:128,083,937, G>T. VCF-style: chr5-128083937-G-T. GRCh37 (hg19) VCF-style: chr5-127419629-G-T.
Other names: c.-18G>T (NM_001256461.2).
Identifiers: ClinVar variation 3902343 (VCV003902343.2).

ClinVar aggregate classification (germline): Uncertain significance (1 of 4 stars; one submission).

gnomAD v4.1: 2 of 1,227,932 alleles (0.00016%); highest among the groups gnomAD compares: Non-Finnish European, 0.0002%; no homozygotes.

Submission:

Women's Health and Genetics/Laboratory Corporation of America, LabCorp
Classification: Uncertain significance. Last evaluated: 2025-12-12. Review status: criteria provided, single submitter. Criteria: LabCorp Variant Classification Summary - May 2015. Collection method: clinical testing. Allele origin: germline.
Comment: Variant summary: SLC12A2 c.-18G>T is located in the untranslated mRNA region upstream of the initiation codon. The variant was absent in 30550 control chromosomes. The available data on variant occurrences in the general population are insufficient to allow any conclusion about variant significance. To our knowledge, no occurrence of c.-18G>T in individuals affected with SLC12A2-related conditions and no experimental evidence demonstrating its impact on protein function have been reported. No submitters have cited clinical-significance assessments for this variant to ClinVar. Based on the evidence outlined above, the variant was classified as uncertain significance.